The following is an entry in ClinVar:

NM_022765.4(MICAL1):c.326G>A (p.Arg109Gln)

Gene: MICAL1 (microtubule associated monooxygenase, calponin and LIM domain containing 1; minus strand). Cytogenetic location: 6q21.
Variant type: single nucleotide variant.
Coding change: c.326G>A on transcript NM_022765.4 (MANE Select); coding-DNA position 326, G replaced by A.
Protein change: p.Arg109Gln; replaces arginine 109 with glutamine.
Molecular consequence: missense variant.
Genome position (GRCh38, 1-based): chr6:109,453,778, C>T on the plus strand (G>A on the coding strand, the complement: MICAL1 is on the minus strand). VCF-style: chr6-109453778-C-T. GRCh37 (hg19) VCF-style: chr6-109774981-C-T.
Other names: c.326G>A (NM_022765.3); c.326G>A, p.Arg109Gln (NM_001159291.2); c.383G>A, p.Arg128Gln (NM_001286613.2); short protein forms R128Q, R109Q.
Identifiers: ClinVar variation 2144754 (VCV002144754.5), dbSNP rs201163092, ClinGen allele CA3953813.

ClinVar aggregate classification (germline): Uncertain significance. Review status: criteria provided, multiple submitters, no conflicts (2 of 4 stars). 2 submissions from 2 submitters: Uncertain significance (2). Last evaluated 2025-12-09.

Allele frequency attached by ClinVar (database versions not stated): gnomAD 0.00005; ExAC 0.00008; TOPMed 0.00008; ESP Exome Variant Server 0.00015.
gnomAD v4.1: 106 of 1,613,586 alleles (0.0066%); highest among the groups gnomAD compares: East Asian, 0.031%; no homozygotes.

Submissions (2):

Labcorp Genetics (formerly Invitae), Labcorp
Classification: Uncertain significance. Last evaluated: 2025-12-09. Review status: criteria provided, single submitter. Criteria: Invitae Variant Classification Sherloc (09022015). Collection method: clinical testing. Allele origin: germline.
Comment: This sequence change replaces arginine, which is basic and polar, with glutamine, which is neutral and polar, at codon 128 of the MICAL1 protein (p.Arg128Gln). This variant is present in population databases (rs201163092, gnomAD 0.03%). This variant has not been reported in the literature in individuals affected with MICAL1-related conditions. ClinVar contains an entry for this variant (Variation ID: 2144754). An algorithm developed to predict the effect of missense changes on protein structure and function outputs the following: PolyPhen-2: "Benign". The glutamine amino acid residue is found in multiple mammalian species, which suggests that this missense change does not adversely affect protein function. In summary, the available evidence is currently insufficient to determine the role of this variant in disease. Therefore, it has been classified as a Variant of Uncertain Significance.

Ambry Genetics
Classification: Uncertain significance. Last evaluated: 2023-09-20. Review status: criteria provided, single submitter. Criteria: Ambry Variant Classification Scheme 2023. Collection method: clinical testing. Allele origin: germline.